The following is an entry in ClinVar:

NM_003901.4(SGPL1):c.551T>C (p.Ile184Thr)

Gene: SGPL1 (sphingosine-1-phosphate lyase 1; plus strand). Cytogenetic location: 10q22.1.
Variant type: single nucleotide variant.
Coding change: c.551T>C on transcript NM_003901.4 (MANE Select); coding-DNA position 551, T replaced by C.
Protein change: p.Ile184Thr; replaces isoleucine 184 with threonine.
Molecular consequence: missense variant.
Genome position (GRCh38, 1-based): chr10:70,859,435, T>C. VCF-style: chr10-70859435-T-C. GRCh37 (hg19) VCF-style: chr10-72619192-T-C.
Other names: short protein forms I184T.
Identifiers: ClinVar variation 2136874 (VCV002136874.3), dbSNP rs201533115, ClinGen allele CA5541216.

ClinVar aggregate classification (germline): Uncertain significance (1 of 4 stars; one submission).

Allele frequency attached by ClinVar (database versions not stated): TOPMed below 0.00001; ExAC 0.00001; gnomAD 0.00001; gnomAD exomes 0.00001.

Submission:

Labcorp Genetics (formerly Invitae), Labcorp
Classification: Uncertain significance. Last evaluated: 2024-02-24. Review status: criteria provided, single submitter. Criteria: Invitae Variant Classification Sherloc (09022015). Collection method: clinical testing. Allele origin: germline.
Comment: This sequence change replaces isoleucine, which is neutral and non-polar, with threonine, which is neutral and polar, at codon 184 of the SGPL1 protein (p.Ile184Thr). The frequency data for this variant in the population databases is considered unreliable, as metrics indicate poor data quality at this position in the gnomAD database. This missense change has been observed in individual(s) with clinical features of Charcot-Marie-Tooth disease (PMID: 28077491). In at least one individual the data is consistent with being in trans (on the opposite chromosome) from a pathogenic variant. It has also been observed to segregate with disease in related individuals. ClinVar contains an entry for this variant (Variation ID: 2136874). Advanced modeling of protein sequence and biophysical properties (such as structural, functional, and spatial information, amino acid conservation, physicochemical variation, residue mobility, and thermodynamic stability) performed at Invitae indicates that this missense variant is not expected to disrupt SGPL1 protein function with a negative predictive value of 80%. In summary, the available evidence is currently insufficient to determine the role of this variant in disease. Therefore, it has been classified as a Variant of Uncertain Significance.

Literature cited by the submitters: PubMed 28077491.